The following is an entry in ClinVar:

ClinVar aggregate classification (germline): Conflicting classifications of pathogenicity. Review status: criteria provided, conflicting classifications (1 of 4 stars). 4 submissions from 4 submitters: Uncertain significance (3); Benign (1). Last evaluated 2025-03-24.

Conditions:
Hereditary cancer-predisposing syndrome. Also called: Tumor predisposition; Neoplastic Syndromes, Hereditary; Hereditary Cancer Syndrome; Hereditary neoplastic syndrome. Identifiers: Orphanet 140162, MedGen C0027672, MeSH D009386, MONDO:0015356.
Tuberous sclerosis syndrome (TSC). Also called: Tuberous Sclerosis Complex; Tuberous sclerosis. Identifiers: Orphanet 805, MedGen C0041341, MONDO:0001734.
Tuberous sclerosis 2 (TSC2). Identifiers: Orphanet 805, MedGen C1860707, MONDO:0013199, OMIM 613254.

Allele frequency attached by ClinVar (database versions not stated): TOPMed below 0.00001; ExAC 0.00001; gnomAD exomes 0.00001.
gnomAD v4.1: 17 of 1,611,442 alleles (0.0011%); highest among the groups gnomAD compares: Non-Finnish European, 0.0014%; no homozygotes.

Submissions (4):

Clinical Genomics Laboratory, Washington University in St. Louis
Classification: Uncertain significance for Tuberous sclerosis 2. Last evaluated: 2025-03-24. Review status: criteria provided, single submitter. Criteria: ACMG Guidelines, 2015. Collection method: clinical testing. Allele origin: germline.
Comment: A TSC2 c.2364G>A (p.Met788Ile) variant was identified at a near heterozygous allelic fraction of 48.4%, a frequency which may be consistent with it being of germline origin. This variant, to our knowledge, has not been reported in the medical literature. This variant has been reported in the ClinVar database as a germline variant with conflicting classifications of pathogenicity, including a variant of uncertain significance by two submitters and benign by one submitter. This variant is only observed on 17/1,611,442 alleles in the general population (gnomAD v4.1), indicating it is not a common variant. Computational predictors are uncertain as to the impact of this variant on TSC2 function. Due to limited information, and based on ACMG/AMP guidelines for variant interpretation (Richards S et al., PMID: 25741868), the clinical significance of this variant is uncertain at this time.

Ambry Genetics
Classification: Uncertain significance for Hereditary cancer-predisposing syndrome. Last evaluated: 2024-11-22. Review status: criteria provided, single submitter. Criteria: Ambry Variant Classification Scheme 2023. Collection method: clinical testing. Allele origin: germline.
Comment: The p.M788I variant (also known as c.2364G>A), located in coding exon 21 of the TSC2 gene, results from a G to A substitution at nucleotide position 2364. The methionine at codon 788 is replaced by isoleucine, an amino acid with highly similar properties. This amino acid position is not well conserved in available vertebrate species. In addition, the in silico prediction for this alteration is inconclusive. Based on the available evidence, the clinical significance of this variant remains unclear.

Labcorp Genetics (formerly Invitae), Labcorp
Classification: Benign for Tuberous sclerosis 2. Last evaluated: 2024-04-15. Review status: criteria provided, single submitter. Criteria: Invitae Variant Classification Sherloc (09022015). Collection method: clinical testing. Allele origin: germline.

All of Us Research Program, National Institutes of Health
Classification: Uncertain significance for Tuberous sclerosis syndrome. Last evaluated: 2023-04-27. Review status: criteria provided, single submitter. Criteria: ACMG Guidelines, 2015. Collection method: clinical testing. Allele origin: germline. Inheritance: Autosomal dominant inheritance. Observed: 1 variant allele, 1 heterozygote.
Comment: This study involves interpretation of variants in research participants for the purpose of population health screening. Participant phenotype was not available at the time of variant classification. Additional details can be found in publication PMID: 35346344, PMCID: PMC8962531

NM_000548.5(TSC2):c.2364G>A (p.Met788Ile)

Gene: TSC2 (TSC complex subunit 2; plus strand). Cytogenetic location: 16p13.3.
Variant type: single nucleotide variant.
Coding change: c.2364G>A on transcript NM_000548.5 (MANE Select); coding-DNA position 2364, G replaced by A.
Protein change: p.Met788Ile; replaces methionine 788 with isoleucine.
Molecular consequence: missense variant.
Genome position (GRCh38, 1-based): chr16:2,074,208, G>A. VCF-style: chr16-2074208-G-A. GRCh37 (hg19) VCF-style: chr16-2124209-G-A.
Other names: c.2364G>A, p.Met788Ile (NM_001077183.3, NM_001114382.3, NM_001363528.2 and 3 more transcripts); c.2253G>A, p.Met751Ile (NM_001318827.2); c.2217G>A, p.Met739Ile (NM_001318829.2); c.1764G>A, p.Met588Ile (NM_001318831.2); c.2397G>A, p.Met799Ile (NM_001318832.2); short protein forms M788I, M751I, M588I, M739I, M799I.
Identifiers: ClinVar variation 406123 (VCV000406123.17), dbSNP rs773786955, ClinGen allele CA038757.
Genomic context (GRCh38, chr16:2,074,208, plus strand): 5'-AGGCTGCCTCTGCTGCAAGCGGGTGGGGCCTGAGGTGTCCTGTCTCCTGCAGCGCGAGAT[G>A]GTCTACTGCCTGGAGCAGGGCCTCATCCACCGCTGTGCCAGCCAGTGCGTCGTGGCCTTG-3'
Protein context (NP_000539.2, residues 778-798): NYLDKTKQRE[Met788Ile]VYCLEQGLIH